The following is an entry in ClinVar:

NM_018255.4(ELP2):c.224C>G (p.Ser75Cys)

Gene: ELP2 (elongator acetyltransferase complex subunit 2; plus strand). Cytogenetic location: 18q12.2.
Variant type: single nucleotide variant.
Coding change: c.224C>G on transcript NM_018255.4 (MANE Select); coding-DNA position 224, C replaced by G.
Protein change: p.Ser75Cys; replaces serine 75 with cysteine.
Molecular consequence: missense variant. On other transcripts: 5 prime UTR variant (1), non-coding transcript variant (4).
Genome position (GRCh38, 1-based): chr18:36,136,313, C>G. VCF-style: chr18-36136313-C-G. GRCh37 (hg19) VCF-style: chr18-33716276-C-G.
Other names: c.224C>G, p.Ser75Cys (NM_001242875.3, NM_001242876.3, NM_001242877.3 and 5 more transcripts); c.-224C>G (NM_001324468.2); c.224C>G (NM_001242875.1); short protein forms S75C.
Identifiers: ClinVar variation 710518 (VCV000710518.12), dbSNP rs74438152, ClinGen allele CA8939536.

ClinVar aggregate classification (germline): Conflicting classifications of pathogenicity. Review status: criteria provided, conflicting classifications (1 of 4 stars). 5 submissions from 5 submitters: Uncertain significance (1); Likely benign (3). 1 of the submissions does not count toward it. Last evaluated 2026-03-01.

Conditions:
ELP2-related disorder. Also called: ELP2-Related Disorders; ELP2-related condition.

Allele frequency attached by ClinVar (database versions not stated): gnomAD exomes 0.00019 and 0.00050; ExAC 0.00068; gnomAD 0.00199 and 0.00210; ESP Exome Variant Server 0.00223; TOPMed 0.00235; 1000 Genomes Project 0.00280; 1000 Genomes Project 30x 0.00297.
gnomAD v4.1: 594 of 1,610,290 alleles (0.037%); highest among the groups gnomAD compares: African/African-American, 0.7%; 1 homozygote.

Submissions (5):

CeGaT Center for Human Genetics Tuebingen
Classification: Likely benign. Last evaluated: 2026-03-01. Review status: criteria provided, single submitter. Criteria: CeGaT Center For Human Genetics Tuebingen Variant Classification Criteria Version 2. Collection method: clinical testing. Allele origin: germline. Affected: yes. Observed: 1 variant allele.
Comment: ELP2: BP4

GeneDx
Classification: Uncertain significance. Last evaluated: 2023-04-21. Review status: criteria provided, single submitter. Criteria: GeneDx Variant Classification Process June 2021. Collection method: clinical testing. Allele origin: germline. Affected: yes.
Comment: In silico analysis supports that this missense variant has a deleterious effect on protein structure/function; Has not been previously published as pathogenic or benign to our knowledge; This variant is associated with the following publications: (PMID: 30755224)

Labcorp Genetics (formerly Invitae), Labcorp
Classification: Likely benign. Last evaluated: 2019-12-31. Review status: criteria provided, single submitter. Criteria: Invitae Variant Classification Sherloc (09022015). Collection method: clinical testing. Allele origin: germline.

Breakthrough Genomics
Classification: Likely benign. Review status: criteria provided, single submitter. Criteria: ACMG Guidelines, 2015. Collection method: not provided. Allele origin: germline. Inheritance: Autosomal recessive inheritance. Affected: yes.

PreventionGenetics, part of Exact Sciences
Classification: Benign for ELP2-related condition. Last evaluated: 2019-03-08. Review status: no assertion criteria provided. Collection method: clinical testing. Allele origin: germline. Not counted in ClinVar's aggregate classification.
Comment: This variant is classified as benign based on ACMG/AMP sequence variant interpretation guidelines (Richards et al. 2015 PMID: 25741868, with internal and published modifications).